The following is an entry in ClinVar:

ClinVar aggregate classification (germline): Likely pathogenic. Review status: criteria provided, single submitter (1 of 4 stars). 2 submissions from 2 submitters: Likely pathogenic (1). 1 of the submissions does not count toward it. Last evaluated 2020-06-15.

Conditions:
Hereditary spastic paraplegia 30. Identifiers: Orphanet 101010, MedGen C5235139, MONDO:0012476.

Submissions (2):

SIB Swiss Institute of Bioinformatics
Classification: Likely pathogenic for Spastic paraplegia 30A, autosomal dominant. Last evaluated: 2020-06-15. Review status: criteria provided, single submitter. Criteria: ACMG Guidelines, 2015. Collection method: curation. Allele origin: unknown.
Comment: This variant is interpreted as likely pathogenic for spastic paraplegia 30, autosomal dominant. The following ACMG Tag(s) were applied: Absent from controls (or at extremely low frequency if recessive) in Exome Sequencing Project, 1000 Genomes Project, or Exome Aggregation Consortium (PM2); Predicted nullvariant in a gene where LOF is a known mechanism of disease (PVS1 downgraded to strong); Cosegregation with disease in multiple affected family members in a gene definitively known to cause the disease (PP1).

OMIM
Classification: Pathogenic for SPASTIC PARAPLEGIA 30A, AUTOSOMAL DOMINANT. Last evaluated: 2024-07-05. Review status: no assertion criteria provided. Collection method: literature only. Allele origin: germline. Not counted in ClinVar's aggregate classification.

Literature cited by the submitters: PubMed 31488895 (cited by SIB Swiss Institute of Bioinformatics and OMIM).

NM_001244008.2(KIF1A):c.4278C>G (p.Tyr1426Ter)

Gene: KIF1A (kinesin family member 1A; minus strand). Cytogenetic location: 2q37.3.
Variant type: single nucleotide variant.
Coding change: c.4278C>G on transcript NM_001244008.2 (MANE Select); coding-DNA position 4278, C replaced by G.
Protein change: p.Tyr1426Ter; replaces tyrosine 1426 with a stop codon.
Molecular consequence: nonsense.
Genome position (GRCh38, 1-based): chr2:240,724,015, G>C on the plus strand (C>G on the coding strand, the complement: KIF1A is on the minus strand). VCF-style: chr2-240724015-G-C. GRCh37 (hg19) VCF-style: chr2-241663432-G-C.
Other names: c.4002C>G, p.Tyr1334Ter (NM_001320705.2, NM_001379649.1); c.4029C>G, p.Tyr1343Ter (NM_001330289.2); c.4077C>G, p.Tyr1359Ter (NM_001330290.2, NM_001379648.1); c.4353C>G, p.Tyr1451Ter (NM_001379631.1); c.4254C>G, p.Tyr1418Ter (NM_001379632.1); c.4251C>G, p.Tyr1417Ter (NM_001379633.1, NM_001379645.1); c.4104C>G, p.Tyr1368Ter (NM_001379634.1); c.4101C>G, p.Tyr1367Ter (NM_001379635.1, NM_001379646.1); and 7 more; short protein forms Y1325*, Y1334*, Y1343*, Y1359*, Y1426*, Y1324*, Y1333*, Y1367*.
Identifiers: ClinVar variation 869125 (VCV000869125.3), dbSNP rs572662012, ClinGen allele CA351306196.